The following is an entry in ClinVar:

NM_000038.6(APC):c.7397C>T (p.Ser2466Phe)

Gene: APC (APC regulator of Wnt signaling pathway; plus strand). Cytogenetic location: 5q22.2.
Variant type: single nucleotide variant.
Coding change: c.7397C>T on transcript NM_000038.6 (MANE Select); coding-DNA position 7397, C replaced by T.
Protein change: p.Ser2466Phe; replaces serine 2466 with phenylalanine.
Molecular consequence: missense variant.
Genome position (GRCh38, 1-based): chr5:112,842,991, C>T. VCF-style: chr5-112842991-C-T. GRCh37 (hg19) VCF-style: chr5-112178688-C-T.
Other names: c.7397C>T, p.Ser2466Phe (NM_001127510.3, NM_001354895.2); c.7343C>T, p.Ser2448Phe (NM_001127511.3); c.7451C>T, p.Ser2484Phe (NM_001354896.2); c.7427C>T, p.Ser2476Phe (NM_001354897.2); c.7322C>T, p.Ser2441Phe (NM_001354898.2); c.7313C>T, p.Ser2438Phe (NM_001354899.2); c.7274C>T, p.Ser2425Phe (NM_001354900.2); c.7220C>T, p.Ser2407Phe (NM_001354901.2); and 5 more; short protein forms S2448F, S2466F, S2306F, S2340F, S2365F, S2375F, S2425F, S2441F.
Identifiers: ClinVar variation 630200 (VCV000630200.14), dbSNP rs765669629, ClinGen allele CA047929.

ClinVar aggregate classification (germline): Uncertain significance. Review status: criteria provided, multiple submitters, no conflicts (2 of 4 stars). 5 submissions from 5 submitters: Uncertain significance (5). Last evaluated 2025-12-10.

Conditions:
Hereditary cancer-predisposing syndrome. Also called: Hereditary Cancer Syndrome; Tumor predisposition; Neoplastic Syndromes, Hereditary; Hereditary neoplastic syndrome. Identifiers: Orphanet 140162, MedGen C0027672, MeSH D009386, MONDO:0015356.
Desmoid disease, hereditary (DESMD). Also called: FIBROMATOSIS, FAMILIAL INFILTRATIVE. Identifiers: Orphanet 873, MedGen C1851124, OMIM 135290. Disease mechanism: loss of function.
Familial adenomatous polyposis 1 (FAP1). Also called: FAMILIAL ADENOMATOUS POLYPOSIS 1, ATTENUATED; POLYPOSIS, ADENOMATOUS INTESTINAL. Identifiers: MedGen C2713442, MONDO:0021056, OMIM 175100. Disease mechanism: loss of function.
Gastric cancer. Also called: Malignant tumor of stomach; Stomach cancer. Identifiers: MedGen C0024623, MeSH D013274, MONDO:0001056, OMIM 613659, HP:0012126.
Colorectal cancer. Also called: Colorectal cancer, somatic; Malignant Colorectal Neoplasm. Identifiers: MedGen C0346629, MONDO:0005575, OMIM 114500.
Gastric adenocarcinoma and proximal polyposis of the stomach (GAPPS). Also called: Polyposis, gastric, Dos Santos and de Magalhaes 1980; POLYPOSIS, GASTRIC; Gastric Adenocarcinoma and Proximal Polyposis of the Stomach (GAPPS). Identifiers: Orphanet 314022, MedGen C4749917, MONDO:0017790, OMIM 619182.
Hepatocellular carcinoma (HCC). Also called: Primary carcinoma of liver; HEPATOMA; LIVER CELL CARCINOMA. Identifiers: HP:0002899, Orphanet 88673, MedGen C2239176, MONDO:0007256, OMIM 114550.

Allele frequency attached by ClinVar (database versions not stated): TOPMed below 0.00001; gnomAD 0.00001; gnomAD exomes 0.00001; ExAC 0.00002.

Submissions (5):

Labcorp Genetics (formerly Invitae), Labcorp
Classification: Uncertain significance for Familial adenomatous polyposis 1. Last evaluated: 2025-12-10. Review status: criteria provided, single submitter. Criteria: Invitae Variant Classification Sherloc (09022015). Collection method: clinical testing. Allele origin: germline.
Comment: This sequence change replaces serine, which is neutral and polar, with phenylalanine, which is neutral and non-polar, at codon 2466 of the APC protein (p.Ser2466Phe). This variant is present in population databases (rs765669629, gnomAD 0.006%). This variant has not been reported in the literature in individuals affected with APC-related conditions. ClinVar contains an entry for this variant (Variation ID: 630200). Invitae Evidence Modeling of protein sequence and biophysical properties (such as structural, functional, and spatial information, amino acid conservation, physicochemical variation, residue mobility, and thermodynamic stability) indicates that this missense variant is not expected to disrupt APC protein function with a negative predictive value of 95%. In summary, the available evidence is currently insufficient to determine the role of this variant in disease. Therefore, it has been classified as a Variant of Uncertain Significance.

Ambry Genetics
Classification: Uncertain significance for Hereditary cancer-predisposing syndrome. Last evaluated: 2025-02-14. Review status: criteria provided, single submitter. Criteria: Ambry Variant Classification Scheme 2023. Collection method: clinical testing. Allele origin: germline.
Comment: The p.S2466F variant (also known as c.7397C>T), located in coding exon 15 of the APC gene, results from a C to T substitution at nucleotide position 7397. The serine at codon 2466 is replaced by phenylalanine, an amino acid with highly dissimilar properties. This amino acid position is highly conserved in available vertebrate species. In addition, in silico predictors for this gene do not accurately predict pathogenicity. Since supporting evidence is limited at this time, the clinical significance of this alteration remains unclear.

Fulgent Genetics
Classification: Uncertain significance for Colorectal cancer; Hepatocellular carcinoma; Desmoid disease, hereditary; Familial adenomatous polyposis 1; Gastric cancer; Gastric adenocarcinoma and proximal polyposis of the stomach. Last evaluated: 2024-06-08. Review status: criteria provided, single submitter. Criteria: ACMG Guidelines, 2015. Collection method: clinical testing. Allele origin: germline.

Quest Diagnostics Nichols Institute San Juan Capistrano
Classification: Uncertain significance. Last evaluated: 2020-03-17. Review status: criteria provided, single submitter. Criteria: Quest Diagnostics criteria. Collection method: clinical testing. Allele origin: unknown.

Color Diagnostics, LLC DBA Color Health
Classification: Uncertain significance for Hereditary cancer-predisposing syndrome. Last evaluated: 2019-01-24. Review status: criteria provided, single submitter. Criteria: ACMG Guidelines, 2015. Collection method: clinical testing. Allele origin: germline.

Literature cited by the submitters: PubMed 29237421 (cited by Quest Diagnostics Nichols Institute San Juan Capistrano).